The following is an entry in ClinVar:

NM_001042492.3(NF1):c.3942del (p.Trp1314fs)

Gene: NF1 (neurofibromin 1; plus strand). Cytogenetic location: 17q11.2.
Variant type: Deletion.
Coding change: c.3942del on transcript NM_001042492.3 (MANE Select); coding-DNA position 3942, one base deleted (G; older notation c.3942delG).
Protein change: p.Trp1314fs; shifts the reading frame from tryptophan 1314.
Molecular consequence: frameshift variant.
Genome position (GRCh38, 1-based): chr17:31,235,989, G deleted; the last of 2 consecutive G bases (chr17:31,235,988-31,235,989); deleting either gives the same sequence. VCF-style (leftmost placement, unchanged base first): chr17-31235987-TG-T. GRCh37 (hg19) VCF-style: chr17-29563005-TG-T.
Other names: c.3942delG, p.Trp1314Cysfs (NM_000267.4); short protein forms W1314fs.
Identifiers: ClinVar variation 2749180 (VCV002749180.3), dbSNP rs2508264905, ClinGen allele CA2697559818.

ClinVar aggregate classification (germline): Pathogenic (1 of 4 stars; one submission).

Conditions:
Neurofibromatosis, type 1 (NF1). Also called: Peripheral type neurofibromatosis; NEUROFIBROMATOSIS, TYPE I, SOMATIC; VON RECKLINGHAUSEN DISEASE; Neurofibromatosis, type I. Identifiers: Orphanet 636, MedGen C0027831, MONDO:0018975, OMIM 162200. Disease mechanism: loss of function.

Submission:

Labcorp Genetics (formerly Invitae), Labcorp
Classification: Pathogenic for Neurofibromatosis, type 1. Last evaluated: 2023-08-02. Review status: criteria provided, single submitter. Criteria: Invitae Variant Classification Sherloc (09022015). Collection method: clinical testing. Allele origin: germline.
Comment: This variant has not been reported in the literature in individuals affected with NF1-related conditions. This sequence change creates a premature translational stop signal (p.Trp1314Cysfs*13) in the NF1 gene. It is expected to result in an absent or disrupted protein product. Loss-of-function variants in NF1 are known to be pathogenic (PMID: 10712197, 23913538). This variant is not present in population databases (gnomAD no frequency). For these reasons, this variant has been classified as Pathogenic.

Literature cited by the submitters: PubMed 10712197; PubMed 23913538.